The following is an entry in ClinVar:

ClinVar aggregate classification (germline): Likely pathogenic (1 of 4 stars; one submission).

Conditions:
Familial adenomatous polyposis 2. Also called: COLORECTAL ADENOMATOUS POLYPOSIS, AUTOSOMAL RECESSIVE; ADENOMAS, MULTIPLE COLORECTAL, AUTOSOMAL RECESSIVE; MYH-associated polyposis; FAP type 2; MUTYH-associated polyposis; MUTYH Polyposis. Identifiers: Orphanet 220460, Orphanet 247798, MedGen C3272841, MONDO:0012041, OMIM 608456.

Submission:

Myriad Genetics, Inc.
Classification: Likely pathogenic for Familial adenomatous polyposis 2. Last evaluated: 2026-09-03. Review status: criteria provided, single submitter. Criteria: Myriad Autosomal Dominant, Autosomal Recessive and X-Linked Classification Criteria (2023). Collection method: clinical testing. Allele origin: unknown.
Comment: This variant is considered likely pathogenic. Functional studies indicate this variant impacts protein function [PMID: 40738107]. This variant is expected to disrupt protein structure [Myriad internal data].

Literature cited by the submitters: PubMed 40738107.

NM_001048174.2(MUTYH):c.448_450del (p.Gly150del)

Gene: MUTYH (mutY DNA glycosylase; minus strand). Cytogenetic location: 1p34.1.
Variant type: Deletion.
Coding change: c.448_450del on transcript NM_001048174.2 (MANE Select); coding-DNA positions 448 to 450, 3 bases deleted (GGC; older notation c.448_450delGGC).
Protein change: p.Gly150del; deletes glycine 150.
Molecular consequence: inframe deletion. On other transcripts: non-coding transcript variant (7).
Genome position (GRCh38, 1-based): chr1:45,332,805-45,332,807, GCC deleted on the plus strand (GGC on the coding strand, the reverse complement: MUTYH is on the minus strand). VCF-style (leftmost placement, unchanged base first): chr1-45332804-AGCC-A. GRCh37 (hg19) VCF-style: chr1-45798476-AGCC-A.
Other names: c.448_450del, p.Gly150del (NM_001048171.2, NM_001048173.2, NM_001293195.2 and 6 more transcripts); c.451_453del, p.Gly151del (NM_001048172.2, NM_001407071.1, NM_001407078.1 and 1 more transcripts); c.532_534del, p.Gly178del (NM_001128425.2); c.493_495del, p.Gly165del (NM_001293190.2); c.481_483del, p.Gly161del (NM_001293191.2, NM_001407069.1, NM_001407077.1); c.172_174del, p.Gly58del (NM_001293192.2, NM_001293196.2, NM_001407091.1); c.103_105del, p.Gly35del (NM_001350650.2, NM_001350651.2, NM_001407082.1); c.364_366del, p.Gly122del (NM_001407075.1); and 5 more; short protein forms G122del, G136del, G137del, G150del, G151del, G157del, G161del, G164del.
Identifiers: ClinVar variation 5042470 (VCV005042470.1).
Genomic context (GRCh38, chr1:45,332,804, plus strand): 5'-CCTCCTGCCATCCCCTTACCTTCCGAGCTCCCTCCTGCAGCCGCCGGCCACGAGAATAGT[AGCC>A]CAGGCCAGCCCAGAGTTGATTCACCTCCTGTGGGTAGGATCAGAGGTCAAAGAGATCACC-3'